The following is an entry in ClinVar:

NM_004656.4(BAP1):c.1183_1184del (p.Ser395fs)

Gene: BAP1 (BRCA1 associated deubiquitinase 1; minus strand). Cytogenetic location: 3p21.1.
Variant type: Deletion.
Coding change: c.1183_1184del on transcript NM_004656.4 (MANE Select); coding-DNA positions 1183 to 1184, 2 bases deleted (TC; older notation c.1183_1184delTC).
Protein change: p.Ser395fs; shifts the reading frame from serine 395.
Molecular consequence: frameshift variant.
Genome position (GRCh38, 1-based): chr3:52,404,519-52,404,520, GA deleted on the plus strand (TC on the coding strand, the reverse complement: BAP1 is on the minus strand); deleting any 2 consecutive bases within chr3:52,404,519-52,404,521 gives the same sequence; the c. name uses the placement nearest the transcript's 3' end. VCF-style (leftmost placement, unchanged base first): chr3-52404518-TGA-T. GRCh37 (hg19) VCF-style: chr3-52438534-TGA-T.
Other names: c.1129_1130del, p.Ser377fs (NM_001410772.1); short protein forms S377fs, S395fs.
Identifiers: ClinVar variation 3724146 (VCV003724146.2).

ClinVar aggregate classification (germline): Pathogenic (1 of 4 stars; one submission).

Conditions:
BAP1-related tumor predisposition syndrome (TPDS1). Also called: BAP1 tumor predisposition syndrome; Tumor susceptibility linked to germline BAP1 mutations; COMMON Syndrome; TUMOR PREDISPOSITION SYNDROME 1. Identifiers: Orphanet 289539, MedGen C3280492, MONDO:0013692, OMIM 614327.

Submission:

Labcorp Genetics (formerly Invitae), Labcorp
Classification: Pathogenic for BAP1-related tumor predisposition syndrome. Last evaluated: 2024-10-30. Review status: criteria provided, single submitter. Criteria: Invitae Variant Classification Sherloc (09022015). Collection method: clinical testing. Allele origin: germline.
Comment: This sequence change creates a premature translational stop signal (p.Ser395Argfs*2) in the BAP1 gene. It is expected to result in an absent or disrupted protein product. Loss-of-function variants in BAP1 are known to be pathogenic (PMID: 21874000, 23684012). This variant is not present in population databases (gnomAD no frequency). This variant has not been reported in the literature in individuals affected with BAP1-related conditions. For these reasons, this variant has been classified as Pathogenic.

Literature cited by the submitters: PubMed 21874000; PubMed 23684012.